The following is an entry in ClinVar:

NM_005529.7(HSPG2):c.9940G>A (p.Glu3314Lys)

Gene: HSPG2 (heparan sulfate proteoglycan 2; minus strand). Cytogenetic location: 1p36.12.
Variant type: single nucleotide variant.
Coding change: c.9940G>A on transcript NM_005529.7 (MANE Select); coding-DNA position 9940, G replaced by A.
Protein change: p.Glu3314Lys; replaces glutamic acid 3314 with lysine.
Molecular consequence: missense variant.
Genome position (GRCh38, 1-based): chr1:21,839,035, C>T on the plus strand (G>A on the coding strand, the complement: HSPG2 is on the minus strand). VCF-style: chr1-21839035-C-T. GRCh37 (hg19) VCF-style: chr1-22165528-C-T.
Other names: c.9943G>A, p.Glu3315Lys (NM_001291860.2); c.9940G>A (NM_005529.5); short protein forms E3315K, E3314K.
Identifiers: ClinVar variation 1393384 (VCV001393384.6), dbSNP rs141399373, ClinGen allele CA670263.
Genomic context (GRCh38, chr1:21,839,035, plus strand): 5'-GGCTCCACTGGAAGGTGAGTGGGGGTGTCCCGTGAGCCAGGCACTGGAGCTGCACCGTCT[C>T]CCCTGCCTGCACCGAAGCGTGCTCTGGGACCGTGGTGGCATATGGTGGGCCTGAGTGGGG-3'
Protein context (NP_005520.4, residues 3304-3324): VPEHASVQAG[Glu3314Lys]TVQLQCLAHG

ClinVar aggregate classification (germline): Uncertain significance. Review status: criteria provided, multiple submitters, no conflicts (2 of 4 stars). 2 submissions from 2 submitters: Uncertain significance (2). Last evaluated 2025-03-20.

Allele frequency attached by ClinVar (database versions not stated): 1000 Genomes Project 30x 0.00047; gnomAD exomes 0.00002 and 0.00006; ExAC 0.00009; gnomAD 0.00025 and 0.00027; TOPMed 0.00028; ESP Exome Variant Server 0.00031; 1000 Genomes Project 0.00040.
gnomAD v4.1: 73 of 1,600,816 alleles (0.0046%); highest among the groups gnomAD compares: African/African-American, 0.09%; no homozygotes.

Submissions (2):

GeneDx
Classification: Uncertain significance. Last evaluated: 2025-03-20. Review status: criteria provided, single submitter. Criteria: GeneDx Variant Classification Process June 2021. Collection method: clinical testing. Allele origin: germline. Affected: yes.
Comment: In silico analysis supports that this missense variant has a deleterious effect on protein structure/function; Has not been previously published as pathogenic or benign to our knowledge

Labcorp Genetics (formerly Invitae), Labcorp
Classification: Uncertain significance. Last evaluated: 2022-07-29. Review status: criteria provided, single submitter. Criteria: Invitae Variant Classification Sherloc (09022015). Collection method: clinical testing. Allele origin: germline.
Comment: This sequence change replaces glutamic acid, which is acidic and polar, with lysine, which is basic and polar, at codon 3314 of the HSPG2 protein (p.Glu3314Lys). This variant is present in population databases (rs141399373, gnomAD 0.09%). This variant has not been reported in the literature in individuals affected with HSPG2-related conditions. ClinVar contains an entry for this variant (Variation ID: 1393384). Algorithms developed to predict the effect of missense changes on protein structure and function output the following: SIFT: "Tolerated"; PolyPhen-2: "Benign"; Align-GVGD: "Class C0". The lysine amino acid residue is found in multiple mammalian species, which suggests that this missense change does not adversely affect protein function. In summary, the available evidence is currently insufficient to determine the role of this variant in disease. Therefore, it has been classified as a Variant of Uncertain Significance.